The following is an entry in ClinVar:

ClinVar aggregate classification (germline): Uncertain significance (1 of 4 stars; one submission).

Conditions:
LOXHD1-related disorder. Also called: LOXHD1-related condition.

gnomAD v4.1: 4 of 1,538,716 alleles (0.00026%); highest among the groups gnomAD compares: Non-Finnish European, 0.00035%; no homozygotes.

Submission:

PreventionGenetics, part of Exact Sciences
Classification: Uncertain significance for LOXHD1-related condition. Last evaluated: 2025-08-25. Review status: criteria provided, single submitter. Criteria: ACMG Guidelines, 2015. Collection method: clinical testing. Allele origin: germline.
Comment: The LOXHD1 c.3515-3C>A variant is predicted to interfere with splicing. This variant is anticipated to alter splicing, resulting in an in-frame deletion of exon 23 based on available splicing prediction programs (SpliceAI, Jaganathan et al. 2019. PubMed ID: 30661751; Alamut Visual v1.6.1); however, the use of computer prediction programs is not equivalent to functional evidence. To our knowledge, this variant has not been reported in the literature. This variant is reported in 0.0016% of alleles in individuals of European (non-Finnish) descent in gnomAD. Although we suspect that this variant may be pathogenic, at this time, the clinical significance of this variant is uncertain due to the absence of conclusive functional and genetic evidence.

NM_001384474.1(LOXHD1):c.3515-3C>A

Gene: LOXHD1 (lipoxygenase homology PLAT domains 1; minus strand). Cytogenetic location: 18q21.1.
Variant type: single nucleotide variant.
Coding change: c.3515-3C>A on transcript NM_001384474.1 (MANE Select); 3 bases into the intron before coding-DNA position 3515, C replaced by A.
Molecular consequence: intron variant.
Genome position (GRCh38, 1-based): chr18:46,545,424, G>T on the plus strand (C>A on the coding strand, the complement: LOXHD1 is on the minus strand). VCF-style: chr18-46545424-G-T. GRCh37 (hg19) VCF-style: chr18-44125387-G-T.
Other names: c.182-3C>A (NM_001145472.3); c.-107-3C>A (NM_001308013.2); c.3515-3C>A (NM_144612.7).
Identifiers: ClinVar variation 4999752 (VCV004999752.1).